The following is an entry in ClinVar:

ClinVar aggregate classification (germline): Uncertain significance. Review status: criteria provided, multiple submitters, no conflicts (2 of 4 stars). 3 submissions from 3 submitters: Uncertain significance (2). 1 of the submissions does not count toward it. Last evaluated 2025-03-22.

Conditions:
PCNT-related disorder. Also called: PCNT-related condition.
Inborn genetic diseases. Identifiers: MedGen C0950123, MeSH D030342.

Allele frequency attached by ClinVar (database versions not stated): gnomAD 0.00002; gnomAD exomes 0.00001; TOPMed 0.00003; ExAC 0.00001.
gnomAD v4.1: 5 of 1,613,830 alleles (0.00031%); highest among the groups gnomAD compares: African/African-American, 0.0053%; no homozygotes.

Submissions (3):

Ambry Genetics
Classification: Uncertain significance for Inborn genetic diseases. Last evaluated: 2025-03-22. Review status: criteria provided, single submitter. Criteria: Ambry Variant Classification Scheme 2023. Collection method: clinical testing. Allele origin: germline.

Genetic Services Laboratory, University of Chicago
Classification: Uncertain significance. Last evaluated: 2017-09-22. Review status: criteria provided, single submitter. Criteria: ACMG Guidelines, 2015. Collection method: clinical testing. Allele origin: germline. Affected: no.

PreventionGenetics, part of Exact Sciences
Classification: Uncertain significance for PCNT-related condition. Last evaluated: 2024-01-20. Review status: no assertion criteria provided. Collection method: clinical testing. Allele origin: germline. Not counted in ClinVar's aggregate classification.
Comment: The PCNT c.2681A>G variant is predicted to result in the amino acid substitution p.Gln894Arg. To our knowledge, this variant has not been reported in the literature. This variant is reported in 0.012% of alleles in individuals of African descent in gnomAD. At this time, the clinical significance of this variant is uncertain due to the absence of conclusive functional and genetic evidence.

NM_006031.6(PCNT):c.2681A>G (p.Gln894Arg)

Gene: PCNT (pericentrin; plus strand). Cytogenetic location: 21q22.3.
Variant type: single nucleotide variant.
Coding change: c.2681A>G on transcript NM_006031.6 (MANE Select); coding-DNA position 2681, A replaced by G.
Protein change: p.Gln894Arg; replaces glutamine 894 with arginine.
Molecular consequence: missense variant.
Genome position (GRCh38, 1-based): chr21:46,366,655, A>G. VCF-style: chr21-46366655-A-G. GRCh37 (hg19) VCF-style: chr21-47786570-A-G.
Other names: c.2327A>G, p.Gln776Arg (NM_001315529.2); short protein forms Q776R, Q894R.
Identifiers: ClinVar variation 1338296 (VCV001338296.7), dbSNP rs763483779, ClinGen allele CA10079069.
Genomic context (GRCh38, chr21:46,366,655, plus strand): 5'-AACGTAAAGAGATCACCGAGAAATTCAGTGCGGAACAAGATGCCTTCCTGCAGGAGGCCC[A>G]GGAGCAGCATGCCCGTGAGCTGCAGCTCCTCCAGGAGAGACACCAGCAGCAGCTCCTGTC-3'
Protein context (NP_006022.3, residues 884-904): AEQDAFLQEA[Gln894Arg]EQHARELQLL